The following is an entry in ClinVar:

NM_001458.5(FLNC):c.4171_4227del (p.Ser1391_Tyr1409del)

Gene: FLNC (filamin C; plus strand). Cytogenetic location: 7q32.1.
Variant type: Deletion.
Coding change: c.4171_4227del on transcript NM_001458.5 (MANE Select); coding-DNA positions 4171 to 4227, 57 bases deleted.
Protein change: p.Ser1391_Tyr1409del.
Molecular consequence: inframe deletion.
Genome position (GRCh38, 1-based): chr7:128,846,788-128,846,844, 57 bases deleted. GRCh37 (hg19): chr7:128,486,842-128,486,898.
Other names: c.4171_4227del, p.Ser1391_Tyr1409del (NM_001127487.2).
Identifiers: ClinVar variation 2947646 (VCV002947646.3), dbSNP rs2536643563, ClinGen allele CA2740094855.

ClinVar aggregate classification (germline): Uncertain significance (1 of 4 stars; one submission).

Conditions:
Hypertrophic cardiomyopathy 26. Also called: Cardiomyopathy, familial hypertrophic, 26. Identifiers: Orphanet 75249, MedGen C4310749, MONDO:0014883, OMIM 617047.
Myofibrillar myopathy 5. Also called: Filaminopathy (type); FILAMINOPATHY, AUTOSOMAL DOMINANT. Identifiers: Orphanet 171445, MedGen C1836050, MONDO:0012289, OMIM 609524.
Distal myopathy with posterior leg and anterior hand involvement. Also called: WILLIAMS DISTAL MYOPATHY. Identifiers: Orphanet 63273, MedGen C3279722, MONDO:0013550, OMIM 614065.

Submission:

Labcorp Genetics (formerly Invitae), Labcorp
Classification: Uncertain significance for Distal myopathy with posterior leg and anterior hand involvement; Myofibrillar myopathy 5; Hypertrophic cardiomyopathy 26. Last evaluated: 2023-05-11. Review status: criteria provided, single submitter. Criteria: Invitae Variant Classification Sherloc (09022015). Collection method: clinical testing. Allele origin: germline.
Comment: This variant is not present in population databases (gnomAD no frequency). This variant has not been reported in the literature in individuals affected with FLNC-related conditions. Experimental studies and prediction algorithms are not available or were not evaluated, and the functional significance of this variant is currently unknown. In summary, the available evidence is currently insufficient to determine the role of this variant in disease. Therefore, it has been classified as a Variant of Uncertain Significance. This variant, c.4171_4227del, results in the deletion of 19 amino acid(s) of the FLNC protein (p.Ser1391_Tyr1409del), but otherwise preserves the integrity of the reading frame.